The following is an entry in ClinVar:

NM_004525.3(LRP2):c.6106G>A (p.Val2036Ile)

Gene: LRP2 (LDL receptor related protein 2; minus strand). Cytogenetic location: 2q31.1.
Variant type: single nucleotide variant.
Coding change: c.6106G>A on transcript NM_004525.3 (MANE Select); coding-DNA position 6106, G replaced by A.
Protein change: p.Val2036Ile; replaces valine 2036 with isoleucine.
Molecular consequence: missense variant.
Genome position (GRCh38, 1-based): chr2:169,212,142, C>T on the plus strand (G>A on the coding strand, the complement: LRP2 is on the minus strand). VCF-style: chr2-169212142-C-T. GRCh37 (hg19) VCF-style: chr2-170068652-C-T.
Other names: c.6106G>A (NM_004525.2); short protein forms V2036I.
Identifiers: ClinVar variation 1654348 (VCV001654348.14), dbSNP rs34041086, ClinGen allele CA1954357.

ClinVar aggregate classification (germline): Conflicting classifications of pathogenicity. Review status: criteria provided, conflicting classifications (1 of 4 stars). 5 submissions from 5 submitters: Uncertain significance (1); Benign (2); Likely benign (1). 1 of the submissions does not count toward it. Last evaluated 2026-06-02.

Conditions:
LRP2-related disorder. Also called: LRP2-related condition.

Allele frequency attached by ClinVar (database versions not stated): TOPMed 0.00006; gnomAD exomes 0.00008 and 0.00017; gnomAD 0.00009 and 0.00010; ExAC 0.00012; ESP Exome Variant Server 0.00023.
gnomAD v4.1: 152 of 1,614,064 alleles (0.0094%); highest among the groups gnomAD compares: Middle Eastern, 0.099%; no homozygotes.

Submissions (5):

GeneDx
Classification: Uncertain significance. Last evaluated: 2026-06-02. Review status: criteria provided, single submitter. Criteria: GeneDx Variant Classification Process June 2021. Collection method: clinical testing. Allele origin: germline.
Comment: In silico analysis indicates that this missense variant does not alter protein structure/function; Has not been previously published as pathogenic or benign to our knowledge

Labcorp Genetics (formerly Invitae), Labcorp
Classification: Benign. Last evaluated: 2026-01-19. Review status: criteria provided, single submitter. Criteria: Invitae Variant Classification Sherloc (09022015). Collection method: clinical testing. Allele origin: germline.

Blueprint Genetics
Classification: Likely benign. Last evaluated: 2024-08-15. Review status: criteria provided, single submitter. Criteria: ACMG Guidelines, 2015. Collection method: clinical testing. Allele origin: germline.

Breakthrough Genomics
Classification: Benign. Review status: criteria provided, single submitter. Criteria: ACMG Guidelines, 2015. Collection method: not provided. Allele origin: germline. Inheritance: Autosomal recessive inheritance. Affected: yes.

PreventionGenetics, part of Exact Sciences
Classification: Likely benign for LRP2-related condition. Last evaluated: 2023-05-18. Review status: no assertion criteria provided. Collection method: clinical testing. Allele origin: germline. Not counted in ClinVar's aggregate classification.
Comment: This variant is classified as likely benign based on ACMG/AMP sequence variant interpretation guidelines (Richards et al. 2015 PMID: 25741868, with internal and published modifications).